The following is an entry in ClinVar:

NM_174878.3(CLRN1):c.127G>A (p.Gly43Arg)

Gene: CLRN1 (clarin 1; minus strand). Cytogenetic location: 3q25.1.
Variant type: single nucleotide variant.
Coding change: c.127G>A on transcript NM_174878.3 (MANE Select); coding-DNA position 127, G replaced by A.
Protein change: p.Gly43Arg; replaces glycine 43 with arginine.
Molecular consequence: missense variant. On other transcripts: non-coding transcript variant (1).
Genome position (GRCh38, 1-based): chr3:150,972,582, C>T on the plus strand (G>A on the coding strand, the complement: CLRN1 is on the minus strand). VCF-style: chr3-150972582-C-T. GRCh37 (hg19) VCF-style: chr3-150690369-C-T.
Other names: c.127G>A, p.Gly43Arg (NM_001195794.1, NM_001256819.2); short protein forms G43R.
Identifiers: ClinVar variation 48142 (VCV000048142.16), dbSNP rs111033434, ClinGen allele CA142675.

ClinVar aggregate classification (germline): Conflicting classifications of pathogenicity. Review status: criteria provided, conflicting classifications (1 of 4 stars). 6 submissions from 6 submitters: Pathogenic (2); Likely pathogenic (3); Uncertain significance (1). Last evaluated 2026-08-14.

Conditions:
Retinitis pigmentosa 61 (RP61). Identifiers: Orphanet 791, MedGen C3280041, MONDO:0013610, OMIM 614180.
Usher syndrome type 3A (USH3A). Also called: USHER SYNDROME, TYPE IIIA. Identifiers: MedGen C5779850, MONDO:0010170, OMIM 276902.
Rare genetic deafness. Identifiers: Orphanet 96210, MedGen C5680250.
CLRN1-related disorder. Also called: CLRN1-related condition.

Allele frequency attached by ClinVar (database versions not stated): ExAC 0.00001; gnomAD exomes 0.00001 and 0.00003; gnomAD 0.00004; TOPMed 0.00005.

Submissions (6):

GeneDx
Classification: Likely pathogenic. Last evaluated: 2026-08-14. Review status: criteria provided, single submitter. Criteria: GeneDx Variant Classification Process June 2021. Collection method: clinical testing. Allele origin: germline.
Comment: Reported with a second variant (phase unknown) in a patient with retinal degeneration in published literature (PMID: 32037395); Not observed at significant frequency in large population cohorts (gnomAD); In silico analysis supports that this missense variant has a deleterious effect on protein structure/function; This variant is associated with the following publications: (PMID: 31964843, 32037395)

PreventionGenetics, part of Exact Sciences
Classification: Uncertain significance for CLRN1-related condition. Last evaluated: 2026-05-23. Review status: criteria provided, single submitter. Criteria: ACMG Guidelines, 2015. Collection method: clinical testing. Allele origin: germline.
Comment: The CLRN1 c.127G>A variant is predicted to result in the amino acid substitution p.Gly43Arg. This variant was reported, along with a second missense variant in the same gene, in an individual with retinal degeneration (supplementary data, Zampaglione et al. 2020. PubMed ID: 32037395). This variant is reported in 0.0018% of alleles in individuals of European (Non-Finnish) descent in gnomAD. Although we suspect that this variant could be pathogenic, the clinical significance of this variant is currently classified as uncertain due to the absence of conclusive functional and genetic evidence.

Labcorp Genetics (formerly Invitae), Labcorp
Classification: Pathogenic. Last evaluated: 2025-06-20. Review status: criteria provided, single submitter. Criteria: Invitae Variant Classification Sherloc (09022015). Collection method: clinical testing. Allele origin: germline.
Comment: This sequence change replaces glycine, which is neutral and non-polar, with arginine, which is basic and polar, at codon 43 of the CLRN1 protein (p.Gly43Arg). This variant is present in population databases (rs111033434, gnomAD 0.002%). This missense change has been observed in individual(s) with clinical features of Usher syndrome, inherited retinal dystrophy, and/or retinitis pigmentosa (PMID: 32037395; internal data). In at least one individual the data is consistent with being in trans (on the opposite chromosome) from a pathogenic variant. ClinVar contains an entry for this variant (Variation ID: 48142). An algorithm developed to predict the effect of missense changes on protein structure and function (PolyPhen-2) suggests that this variant is likely to be disruptive. This variant disrupts the p.Gly43 amino acid residue in CLRN1. Other variant(s) that disrupt this residue have been determined to be pathogenic (internal data). This suggests that this residue is clinically significant, and that variants that disrupt this residue are likely to be disease-causing. For these reasons, this variant has been classified as Pathogenic.

Fulgent Genetics
Classification: Likely pathogenic for Usher syndrome type 3A; Retinitis pigmentosa 61. Last evaluated: 2024-02-23. Review status: criteria provided, single submitter. Criteria: ACMG Guidelines, 2015. Collection method: clinical testing. Allele origin: germline.

Blueprint Genetics
Classification: Pathogenic for CLRN1-related disorders. Last evaluated: 2022-11-07. Review status: criteria provided, single submitter. Criteria: ACMG Guidelines, 2015. Collection method: clinical testing. Allele origin: germline. Affected: yes. Observed: 5 variant alleles.

Laboratory for Molecular Medicine, Mass General Brigham Personalized Medicine
Classification: Likely pathogenic for Rare genetic deafness. Last evaluated: 2013-11-06. Review status: criteria provided, single submitter. Criteria: LMM Criteria. Collection method: clinical testing. Allele origin: germline. Observed: 4 variant alleles.

Literature cited by the submitters: PubMed 32037395 (cited by Labcorp Genetics (formerly Invitae), Labcorp).